The following is an entry in ClinVar:

ClinVar aggregate classification (germline): Uncertain significance (1 of 4 stars; one submission).

Conditions:
Blepharophimosis - intellectual disability syndrome, SBBYS type (SBBYSS). Also called: Say-Barber-Biesecker-Young-Simpson variant of Ohdo Syndrome; Say-Barber-Biesecker Variant of Ohdo Syndrome; Say-Barber-Biesecker variant of Ohdo syndrome (SBBYSS); Young Simpson syndrome; Mental retardation unusual facies hypothyroidism; Ohdo syndrome, SBBYS variant. Identifiers: Orphanet 3047, MedGen C1863557, MONDO:0011365, OMIM 603736.

gnomAD v4.1: 1 of 1,614,156 alleles (0.000062%); highest among the groups gnomAD compares: Non-Finnish European, 0.000085%; no homozygotes.

Submission:

Victorian Clinical Genetics Services, Murdoch Childrens Research Institute
Classification: Uncertain significance for Blepharophimosis - intellectual disability syndrome, SBBYS type. Last evaluated: 2023-12-21. Review status: criteria provided, single submitter. Criteria: ACMG Guidelines, 2015. Collection method: clinical testing. Allele origin: germline. Inheritance: Autosomal dominant inheritance. Affected: yes.
Comment: Based on the classification scheme VCGS_Germline_v1.3.4, this variant is classified as VUS-3A. Following criteria are met: 0103 - Loss of function and gain of function are proposed mechanisms of disease in this gene and are associated with Say-Barber-Biesecker-Young-Simpson syndrome (SBBYSS; MIM#603736) and genitopatellar syndrome (GPS; MIM#606170), respectively (PMID: 22715153). (I) 0107 - This gene is associated with autosomal dominant disease. GPS is usually associated with variants in the 5' portion of the final exon (PMID: 32424177), resulting in truncated proteins. (I) 0201 - Variant is predicted to cause nonsense-mediated decay (NMD) and loss of protein (premature termination codon is located at least 54 nucleotides upstream of the final exon-exon junction). (SP) 0219 - This variant is non-coding in alternative transcripts. The region in which this variant is located is non-coding in 13 out of 16 transcripts. However, there are two other NMD-predicted variants which begin or are located within this region. p.(Arg622*) has been reported individuals with hypotonia, mild dysmorphism, mild rigidity and stiffness, cardiac abnormalities, microcephaly and speech delay; including a de novo individual in whom phenotype information was not available. p.(Arg591fs) has been reported in an individual with global delays, seizures and growth delays (ClinVar, personal communications). (I) 0251 - This variant is heterozygous. (I) 0301 - Variant is absent from gnomAD (both v2 and v3). (SP) 0703 - Other NMD-predicted variants comparable to the one identified in this case have moderate previous evidence for pathogenicity (DECIPHER). Two other NMD-predicted variants, which begin or are located in the same region as this variant, have been reported. (SP) 0807 - This variant has no previous evidence of pathogenicity. (I) 0905 - No published segregation evidence has been identified for this variant. (I) 1007 - No published functional evidence has been identified for this variant. (I) Legend: (SP) - Supporting pathogenic, (I) - Information, (SB) - Supporting benign

Literature cited by the submitters: PubMed 22715153; PubMed 32424177.

NM_012330.4(KAT6B):c.1675A>T (p.Lys559Ter)

Gene: KAT6B (lysine acetyltransferase 6B; plus strand). Cytogenetic location: 10q22.2.
Variant type: single nucleotide variant.
Coding change: c.1675A>T on transcript NM_012330.4 (MANE Select); coding-DNA position 1675, A replaced by T.
Protein change: p.Lys559Ter; replaces lysine 559 with a stop codon.
Molecular consequence: nonsense. On other transcripts: intron variant (13).
Genome position (GRCh38, 1-based): chr10:74,976,012, A>T. VCF-style: chr10-74976012-A-T. GRCh37 (hg19) VCF-style: chr10-76735770-A-T.
Other names: c.1675A>T, p.Lys559Ter (NM_001370136.1, NM_001370137.1); c.1117+558A>T (NM_001370139.1, NM_001370140.1, NM_001370141.1 and 3 more transcripts); c.1444+231A>T (NM_001370138.1, NM_001256468.2); c.846+6237A>T (NM_001370133.1); c.193-3212A>T (NM_001370134.1); c.929-1304A>T (NM_001370143.1, NM_001370144.1); c.193-13007A>T (NM_001370135.1); short protein forms K559*.
Identifiers: ClinVar variation 3255006 (VCV003255006.1), dbSNP rs182593735.